The following is an entry in ClinVar:

ClinVar aggregate classification (germline): Uncertain significance. Review status: criteria provided, multiple submitters, no conflicts (2 of 4 stars). 4 submissions from 4 submitters: Uncertain significance (2). 2 of the submissions do not count toward it. Last evaluated 2022-09-12.

Conditions:
Congenital myopathy 4B, autosomal recessive. Also called: Nemaline myopathy 1, autosomal dominant or recessive. Identifiers: Orphanet 171433, Orphanet 171439, Orphanet 171881, MedGen C5829889, MONDO:0012239, OMIM 609284.
Congenital myopathy with fiber type disproportion. Also called: Congenital fiber-type disproportion myopathy; Congenital fiber-type disproportion. Identifiers: Orphanet 2020, MedGen C0546264, MONDO:0009711. Inheritance: all.

Submissions (4):

Labcorp Genetics (formerly Invitae), Labcorp
Classification: Uncertain significance for Congenital myopathy with fiber type disproportion; Congenital myopathy 4B, autosomal recessive. Last evaluated: 2022-09-12. Review status: criteria provided, single submitter. Criteria: Invitae Variant Classification Sherloc (09022015). Collection method: clinical testing. Allele origin: germline.
Comment: Algorithms developed to predict the effect of missense changes on protein structure and function (SIFT, PolyPhen-2, Align-GVGD) all suggest that this variant is likely to be disruptive. ClinVar contains an entry for this variant (Variation ID: 42113). This missense change has been observed in individuals with clinical features of congenital myopathy (PMID: 19953533; Invitae). This variant is not present in population databases (gnomAD no frequency). This sequence change replaces alanine, which is neutral and non-polar, with valine, which is neutral and non-polar, at codon 4 of the TPM3 protein (p.Ala4Val). In summary, the available evidence is currently insufficient to determine the role of this variant in disease. Therefore, it has been classified as a Variant of Uncertain Significance. Algorithms developed to predict the effect of sequence changes on RNA splicing suggest that this variant may create or strengthen a splice site. Experimental studies have shown that this missense change affects TPM3 function (PMID: 30768849).

GeneDx
Classification: Uncertain significance. Last evaluated: 2019-09-24. Review status: criteria provided, single submitter. Criteria: GeneDx Variant Classification Process June 2021. Collection method: clinical testing. Allele origin: germline. Affected: yes.
Comment: Not observed in large population cohorts (Lek et al., 2016); In silico analysis, which includes protein predictors and evolutionary conservation, supports a deleterious effect; Identified in multiple affected individuals in a family with congenital fiber type disproportion in published literature (Lawlor et al., 2010); This variant is associated with the following publications: (PMID: 19953533)

GeneReviews
No classification provided. Condition: Congenital myopathy with fiber type disproportion. Review status: no classification provided. Collection method: literature only. Allele origin: unknown. Not counted in ClinVar's aggregate classification.

TPM3 homepage - Leiden Muscular Dystrophy pages
No classification provided. Review status: no classification provided. Collection method: not provided. Allele origin: germline. Not counted in ClinVar's aggregate classification.

Literature cited by the submitters: PubMed 19953533 (cited by Labcorp Genetics (formerly Invitae), Labcorp and GeneReviews); PubMed 30768849 (cited by Labcorp Genetics (formerly Invitae), Labcorp); PubMed 20301436 (cited by GeneReviews); NCBI Bookshelf NBK1259 (cited by GeneReviews).

NM_152263.4(TPM3):c.11C>T (p.Ala4Val)

Gene: TPM3 (tropomyosin 3; minus strand). Cytogenetic location: 1q21.3.
Variant type: single nucleotide variant.
Coding change: c.11C>T on transcript NM_152263.4 (MANE Select); coding-DNA position 11, C replaced by T.
Protein change: p.Ala4Val; replaces alanine 4 with valine.
Molecular consequence: missense variant. On other transcripts: non-coding transcript variant (1).
Genome position (GRCh38, 1-based): chr1:154,192,008, G>A on the plus strand (C>T on the coding strand, the complement: TPM3 is on the minus strand). VCF-style: chr1-154192008-G-A. GRCh37 (hg19) VCF-style: chr1-154164484-G-A.
Other names: c.11C>T, p.Ala4Val (NM_001364679.2, NM_001364680.2, NM_001364681.2 and 1 more transcripts); short protein forms A4V.
Identifiers: ClinVar variation 42113 (VCV000042113.12), dbSNP rs199474711, ClinGen allele CA232673.
Genomic context (GRCh38, chr1:154,192,008, plus strand): 5'-TCTGCCCGATCCAGAGCATTCTCCTTGTCTAACTTCAGCATCTGCATCTTTTTCTTGATG[G>A]CCTCCATCATGAGCAGTGGCTGTTGGTAGGCTCACCTGTGAACACTGGAGAACTGGAGAC-3'
Protein context (NP_689476.2, residues 1-14): MME[Ala4Val]IKKKMQMLKL